The following is an entry in ClinVar:

NM_052989.3(IFT122):c.3067C>T (p.Arg1023Cys)

Gene: IFT122 (intraflagellar transport 122; plus strand). Cytogenetic location: 3q22.1.
Variant type: single nucleotide variant.
Coding change: c.3067C>T on transcript NM_052989.3 (MANE Select); coding-DNA position 3067, C replaced by T.
Protein change: p.Arg1023Cys; replaces arginine 1023 with cysteine.
Molecular consequence: missense variant.
Genome position (GRCh38, 1-based): chr3:129,514,468, C>T. VCF-style: chr3-129514468-C-T. GRCh37 (hg19) VCF-style: chr3-129233311-C-T.
Other names: c.2893C>T, p.Arg965Cys (NM_001410810.1); c.2839C>T, p.Arg947Cys (NM_001410811.1); c.2836C>T, p.Arg946Cys (NM_001410813.1); c.2734C>T, p.Arg912Cys (NM_001410815.1); c.2683C>T, p.Arg895Cys (NM_001410817.1); c.2890C>T, p.Arg964Cys (NM_018262.4); c.3220C>T, p.Arg1074Cys (NM_052985.4); c.2737C>T, p.Arg913Cys (NM_052990.3); and 5 more; short protein forms R1016C, R1074C, R912C, R946C, R1023C, R814C, R873C, R913C.
Identifiers: ClinVar variation 2315377 (VCV002315377.5), dbSNP rs761387325, ClinGen allele CA2606771.

ClinVar aggregate classification (germline): Uncertain significance. Review status: criteria provided, multiple submitters, no conflicts (2 of 4 stars). 2 submissions from 2 submitters: Uncertain significance (2). Last evaluated 2024-07-10.

Conditions:
Inborn genetic diseases. Identifiers: MedGen C0950123, MeSH D030342.
Cranioectodermal dysplasia 1 (CED1). Also called: LEVIN SYNDROME I. Identifiers: Orphanet 1515, MedGen C0432235, MONDO:0021093, OMIM 218330.

Allele frequency attached by ClinVar (database versions not stated): ExAC 0.00001; gnomAD 0.00001; gnomAD exomes 0.00001; TOPMed 0.00001.
gnomAD v4.1: 13 of 1,614,096 alleles (0.00081%); highest among the groups gnomAD compares: South Asian, 0.0022%; no homozygotes.

Submissions (2):

Labcorp Genetics (formerly Invitae), Labcorp
Classification: Uncertain significance for Cranioectodermal dysplasia 1. Last evaluated: 2024-07-10. Review status: criteria provided, single submitter. Criteria: Invitae Variant Classification Sherloc (09022015). Collection method: clinical testing. Allele origin: germline.
Comment: This sequence change replaces arginine, which is basic and polar, with cysteine, which is neutral and slightly polar, at codon 1074 of the IFT122 protein (p.Arg1074Cys). This variant is present in population databases (rs761387325, gnomAD 0.006%). This variant has not been reported in the literature in individuals affected with IFT122-related conditions. ClinVar contains an entry for this variant (Variation ID: 2315377). Advanced modeling of protein sequence and biophysical properties (such as structural, functional, and spatial information, amino acid conservation, physicochemical variation, residue mobility, and thermodynamic stability) performed at Invitae indicates that this missense variant is not expected to disrupt IFT122 protein function with a negative predictive value of 80%. In summary, the available evidence is currently insufficient to determine the role of this variant in disease. Therefore, it has been classified as a Variant of Uncertain Significance.

Ambry Genetics
Classification: Uncertain significance for Inborn genetic diseases. Last evaluated: 2022-10-03. Review status: criteria provided, single submitter. Criteria: Ambry Variant Classification Scheme 2023. Collection method: clinical testing. Allele origin: germline.